The following is an entry in ClinVar:

ClinVar aggregate classification (germline): Conflicting classifications of pathogenicity. Review status: criteria provided, conflicting classifications (1 of 4 stars). 3 submissions from 3 submitters: Uncertain significance (2); Likely benign (1). Last evaluated 2026-01-19.

Conditions:
Congenital contractural arachnodactyly (CCA). Also called: Arthrogryposis, distal, type 9; BEALS SYNDROME; Beals-Hecht syndrome. Identifiers: Orphanet 115, MedGen C0220668, MONDO:0007363, OMIM 121050.
Familial thoracic aortic aneurysm and aortic dissection (TAAD). Also called: Thoracic aortic aneurysms and dissections. Identifiers: Orphanet 91387, MedGen C4707243, MONDO:0019625.

Allele frequency attached by ClinVar (database versions not stated): gnomAD exomes below 0.00001; gnomAD 0.00001; TOPMed 0.00001.
gnomAD v4.1: 3 of 1,614,060 alleles (0.00019%); highest among the groups gnomAD compares: African/African-American, 0.0013%; no homozygotes.

Submissions (3):

Labcorp Genetics (formerly Invitae), Labcorp
Classification: Likely benign for Congenital contractural arachnodactyly. Last evaluated: 2026-01-19. Review status: criteria provided, single submitter. Criteria: Invitae Variant Classification Sherloc (09022015). Collection method: clinical testing. Allele origin: germline.

Ambry Genetics
Classification: Uncertain significance for Familial thoracic aortic aneurysm and aortic dissection. Last evaluated: 2020-02-11. Review status: criteria provided, single submitter. Criteria: Ambry Variant Classification Scheme 2023. Collection method: clinical testing. Allele origin: germline.
Comment: The p.I1293F variant (also known as c.3877A>T), located in coding exon 30 of the FBN2 gene, results from an A to T substitution at nucleotide position 3877. The isoleucine at codon 1293 is replaced by phenylalanine, an amino acid with highly similar properties, and is located in the cbEGF-like #17 domain. This amino acid position is well conserved in available vertebrate species. In addition, this alteration is predicted to be deleterious by in silico analysis. Since supporting evidence is limited at this time, the clinical significance of this alteration remains unclear.

GeneDx
Classification: Uncertain significance. Last evaluated: 2019-11-21. Review status: criteria provided, single submitter. Criteria: GeneDx Variant Classification Process June 2021. Collection method: clinical testing. Allele origin: germline. Affected: yes.
Comment: Has not been previously published as pathogenic or benign to our knowledge; Not observed at a significant frequency in large population cohorts (Lek et al., 2016); In silico analysis, which includes protein predictors and evolutionary conservation, supports a deleterious effect; Although located in a calcium-binding EGF-like domain of the FBN2 gene, it does not affect a cysteine residue within this domain; cysteine substitutions in the calcium-binding EGF-like domains represent the majority of pathogenic missense changes associated with FBN2-related disorders (Frederic et al., 2009)

NM_001999.4(FBN2):c.3877A>T (p.Ile1293Phe)

Gene: FBN2 (fibrillin 2; minus strand). Cytogenetic location: 5q23.3.
Variant type: single nucleotide variant.
Coding change: c.3877A>T on transcript NM_001999.4 (MANE Select); coding-DNA position 3877, A replaced by T.
Protein change: p.Ile1293Phe; replaces isoleucine 1293 with phenylalanine.
Molecular consequence: missense variant.
Genome position (GRCh38, 1-based): chr5:128,335,266, T>A on the plus strand (A>T on the coding strand, the complement: FBN2 is on the minus strand). VCF-style: chr5-128335266-T-A. GRCh37 (hg19) VCF-style: chr5-127670958-T-A.
Other names: short protein forms I1293F.
Identifiers: ClinVar variation 1310418 (VCV001310418.7), dbSNP rs1263059454, ClinGen allele CA360757498.
Genomic context (GRCh38, chr5:128,335,266, plus strand): 5'-CATCATAGCAGAGGCAGCGATACTCTCCAGGAATGTTGGTACACTGGCCGCCATCACAGA[T>A]ATCAGGATTGTTTTCACATTCATCAATGTCTGATGATACAAAATTAGCATCAAATGAAAA-3'
Protein context (NP_001990.2, residues 1283-1303): DIDECENNPD[Ile1293Phe]CDGGQCTNIP